The following is an entry in ClinVar:

ClinVar aggregate classification (germline): Benign/Likely benign. Review status: criteria provided, multiple submitters, no conflicts (2 of 4 stars). 3 submissions from 3 submitters: Benign (1); Likely benign (2). Last evaluated 2022-02-04.

Conditions:
Rolandic epilepsy, impaired intellectual development, and speech dyspraxia, X-linked. Also called: Rolandic epilepsy, intellectual disability, and speech dyspraxia, X-linked; Rolandic epilepsy, impaired intellectual development, and speech dyspraxia. Identifiers: MedGen C1845070, MONDO:0010388, OMIM 300643.

Allele frequency attached by ClinVar (database versions not stated): 1000 Genomes Project 30x 0.00042; ExAC 0.00011; gnomAD 0.00018 and 0.00016; 1000 Genomes Project 0.00026; ESP Exome Variant Server 0.00028; gnomAD exomes 0.00004 and 0.00008; TOPMed 0.00009.
gnomAD v4.1: 66 of 1,208,500 alleles (0.0055%); highest among the groups gnomAD compares: African/African-American, 0.04%; no homozygotes.

Submissions (3):

Labcorp Genetics (formerly Invitae), Labcorp
Classification: Likely benign for Rolandic epilepsy, impaired intellectual development, and speech dyspraxia, X-linked. Last evaluated: 2022-02-04. Review status: criteria provided, single submitter. Criteria: Invitae Variant Classification Sherloc (09022015). Collection method: clinical testing. Allele origin: germline.

Genetic Services Laboratory, University of Chicago
Classification: Likely benign. Last evaluated: 2015-11-19. Review status: criteria provided, single submitter. Criteria: ACMG Guidelines, 2015. Collection method: clinical testing. Allele origin: germline. Affected: no.

GeneDx
Classification: Benign. Last evaluated: 2015-07-10. Review status: criteria provided, single submitter. Criteria: GeneDx Variant Classification (06012015). Collection method: clinical testing. Allele origin: germline. Affected: yes.
Comment: This variant is considered likely benign or benign based on one or more of the following criteria: it is a conservative change, it occurs at a poorly conserved position in the protein, it is predicted to be benign by multiple in silico algorithms, and/or has population frequency not consistent with disease.

NM_014467.3(SRPX2):c.624G>A (p.Pro208=)

Gene: SRPX2 (sushi repeat containing protein X-linked 2; plus strand). Cytogenetic location: Xq22.1.
Variant type: single nucleotide variant.
Coding change: c.624G>A on transcript NM_014467.3 (MANE Select); coding-DNA position 624, G replaced by A.
Protein change: p.Pro208=; no amino-acid change (proline 208 retained).
Molecular consequence: synonymous variant.
Genome position (GRCh38, 1-based): chrX:100,665,334, G>A. VCF-style: chrX-100665334-G-A. GRCh37 (hg19) VCF-style: chrX-99920331-G-A.
Identifiers: ClinVar variation 378670 (VCV000378670.14), dbSNP rs139514583, ClinGen allele CA10469538.